The following is an entry in ClinVar:

ClinVar aggregate classification (germline): Uncertain significance (1 of 4 stars; one submission).

Allele frequency attached by ClinVar (database versions not stated): gnomAD exomes below 0.00001.
gnomAD v4.1: 1 of 1,612,084 alleles (0.000062%); highest among the groups gnomAD compares: Non-Finnish European, 0.000085%; no homozygotes.

Submission:

Ambry Genetics
Classification: Uncertain significance. Last evaluated: 2023-03-05. Review status: criteria provided, single submitter. Criteria: Ambry Variant Classification Scheme 2023. Collection method: clinical testing. Allele origin: germline.
Comment: The p.I898T variant (also known as c.2693T>C), located in coding exon 4 of the ALPK2 gene, results from a T to C substitution at nucleotide position 2693. The isoleucine at codon 898 is replaced by threonine, an amino acid with similar properties. This amino acid position is conserved. In addition, this alteration is predicted to be tolerated by in silico analysis. Since supporting evidence is limited at this time, the clinical significance of this alteration remains unclear.

NM_052947.4(ALPK2):c.2693T>C (p.Ile898Thr)

Gene: ALPK2 (alpha kinase 2; minus strand). Cytogenetic location: 18q21.31.
Variant type: single nucleotide variant.
Coding change: c.2693T>C on transcript NM_052947.4 (MANE Select); coding-DNA position 2693, T replaced by C.
Protein change: p.Ile898Thr; replaces isoleucine 898 with threonine.
Molecular consequence: missense variant.
Genome position (GRCh38, 1-based): chr18:58,537,494, A>G on the plus strand (T>C on the coding strand, the complement: ALPK2 is on the minus strand). VCF-style: chr18-58537494-A-G. GRCh37 (hg19) VCF-style: chr18-56204726-A-G.
Other names: short protein forms I898T.
Identifiers: ClinVar variation 2449309 (VCV002449309.2), dbSNP rs2518877360, ClinGen allele CA402569981.
Genomic context (GRCh38, chr18:58,537,494, plus strand): 5'-GTGGAATTCTCCACCTTGGCTAGATTTTCTCCTGTGGCACCTTCACTAGCTGTGTGTGAA[A>G]TGTTCAAGGTGAAAGTACTGGTAAAAAGAGGGGACATGACTGAGTTGCCGTCCTTGCTGC-3'
Protein context (NP_443179.3, residues 888-908): PLFTSTFTLN[Ile898Thr]SHTASEGATG